The following is an entry in ClinVar:

ClinVar aggregate classification (germline): Likely benign. Review status: criteria provided, single submitter (1 of 4 stars). 2 submissions from 2 submitters: Likely benign (1). 1 of the submissions does not count toward it. Last evaluated 2025-01-29.

Conditions:
LRP10-related disorder. Also called: LRP10-related condition.

Allele frequency attached by ClinVar (database versions not stated): 1000 Genomes Project 0.00579; ESP Exome Variant Server 0.00015; gnomAD exomes 0.00123; TOPMed 0.00169; gnomAD 0.00169; ExAC 0.00374; 1000 Genomes Project 30x 0.00500.
gnomAD v4.1: 2,120 of 1,613,480 alleles (0.13%); highest among the groups gnomAD compares: East Asian, 1.9%; 17 homozygotes.

Submissions (2):

Mayo Clinic Laboratories, Mayo Clinic
Classification: Likely benign. Last evaluated: 2025-01-29. Review status: criteria provided, single submitter. Criteria: ACMG Guidelines, 2015. Collection method: clinical testing. Allele origin: germline. Observed: 2 variant alleles.
Comment: BS1, BS2

PreventionGenetics, part of Exact Sciences
Classification: Likely benign for LRP10-related condition. Last evaluated: 2024-03-14. Review status: no assertion criteria provided. Collection method: clinical testing. Allele origin: germline. Not counted in ClinVar's aggregate classification.
Comment: This variant is classified as likely benign based on ACMG/AMP sequence variant interpretation guidelines (Richards et al. 2015 PMID: 25741868, with internal and published modifications).

Literature cited by the submitters: PubMed 31582232 (cited by Mayo Clinic Laboratories, Mayo Clinic); PubMed 36434476 (cited by Mayo Clinic Laboratories, Mayo Clinic).

NM_014045.5(LRP10):c.1552G>A (p.Asp518Asn)

Gene: LRP10 (LDL receptor related protein 10; plus strand). Cytogenetic location: 14q11.2.
Variant type: single nucleotide variant.
Coding change: c.1552G>A on transcript NM_014045.5 (MANE Select); coding-DNA position 1552, G replaced by A.
Protein change: p.Asp518Asn; replaces aspartic acid 518 with asparagine.
Molecular consequence: missense variant.
Genome position (GRCh38, 1-based): chr14:22,876,816, G>A. VCF-style: chr14-22876816-G-A. GRCh37 (hg19) VCF-style: chr14-23346025-G-A.
Other names: p.Asp518Asn; c.1552G>A, p.Asp518Asn (NM_001329226.2); short protein forms D518N.
Identifiers: ClinVar variation 3041354 (VCV003041354.3), dbSNP rs74357167, ClinGen allele CA7105954.
Genomic context (GRCh38, chr14:22,876,816, plus strand): 5'-CAGCTCATTGCCCAGGGTGCCATCCCACCTGTAGAAGACTTTCCTACAGAGAATCCTAAT[G>A]ATGTAAGTCACTCCCCACAACCCTAGCACCTCCTGGTCCCAGTTCTGCTGTGGCCCCGCC-3'
Protein context (NP_054764.2, residues 508-528): VEDFPTENPN[Asp518Asn]NSVLGNLRSL